The following is an entry in ClinVar:

ClinVar aggregate classification (germline): Uncertain significance (1 of 4 stars; one submission).

gnomAD v4.1: 16 of 1,614,198 alleles (0.00099%); highest among the groups gnomAD compares: South Asian, 0.016%; no homozygotes.

Submission:

Dasa
Classification: Uncertain significance. Last evaluated: 2026-02-18. Review status: criteria provided, single submitter. Criteria: DASA Assertion Criteria. Collection method: clinical testing. Allele origin: germline.
Comment: NM_001171.6(ABCC6):c.2482A>G (p.Asn828Asp) is a missense variant that results in the substitution of asparagine with aspartic acid. This variant is rare in population databases. The currently available literature and clinical evidence are not sufficient to establish a definitive association between this variant and the reported condition. Therefore, this variant is classified as a variant of uncertain significance.

NM_001171.6(ABCC6):c.2482A>G (p.Asn828Asp)

Gene: ABCC6 (ATP binding cassette subfamily C member 6; minus strand). Cytogenetic location: 16p13.11.
Variant type: single nucleotide variant.
Coding change: c.2482A>G on transcript NM_001171.6 (MANE Select); coding-DNA position 2482, A replaced by G.
Protein change: p.Asn828Asp; replaces asparagine 828 with aspartic acid.
Molecular consequence: missense variant. On other transcripts: non-coding transcript variant (3).
Genome position (GRCh38, 1-based): chr16:16,177,560, T>C on the plus strand (A>G on the coding strand, the complement: ABCC6 is on the minus strand). VCF-style: chr16-16177560-T-C. GRCh37 (hg19) VCF-style: chr16-16271417-T-C.
Other names: c.2140A>G, p.Asn714Asp (NM_001351800.1); c.2449A>G, p.Asn817Asp (NM_001440309.1); c.2314A>G, p.Asn772Asp (NM_001440310.1); short protein forms N714D, N772D, N817D, N828D.
Identifiers: ClinVar variation 4885921 (VCV004885921.2).